The following is an entry in ClinVar:

ClinVar aggregate classification (germline): Uncertain significance (1 of 4 stars; one submission).

gnomAD v4.1: 3 of 1,606,138 alleles (0.00019%); highest among the groups gnomAD compares: African/African-American, 0.004%; no homozygotes.

Submission:

Athena Diagnostics
Classification: Uncertain significance. Last evaluated: 2023-11-08. Review status: criteria provided, single submitter. Criteria: Athena Diagnostics Criteria. Collection method: clinical testing. Allele origin: unknown.
Comment: Available data are insufficient to determine the clinical significance of the variant at this time. The frequency of this variant in the general population is uninformative in assessment of its pathogenicity. Computational tools disagree on the variant's effect on normal protein function.

NM_001134407.3(GRIN2A):c.2013G>C (p.Gln671His)

Gene: GRIN2A (glutamate ionotropic receptor NMDA type subunit 2A; minus strand). Cytogenetic location: 16p13.2.
Variant type: single nucleotide variant.
Coding change: c.2013G>C on transcript NM_001134407.3 (MANE Select); coding-DNA position 2013, G replaced by C.
Protein change: p.Gln671His; replaces glutamine 671 with histidine.
Molecular consequence: missense variant.
Genome position (GRCh38, 1-based): chr16:9,822,419, C>G on the plus strand (G>C on the coding strand, the complement: GRIN2A is on the minus strand). VCF-style: chr16-9822419-C-G. GRCh37 (hg19) VCF-style: chr16-9916276-C-G.
Other names: c.2013G>C, p.Gln671His (NM_000833.5, NM_001134408.2); short protein forms Q671H.
Identifiers: ClinVar variation 3571902 (VCV003571902.1).